The following is an entry in ClinVar:

ClinVar aggregate classification (germline): Likely benign. Review status: criteria provided, multiple submitters, no conflicts (2 of 4 stars). 3 submissions from 3 submitters: Likely benign (3). Last evaluated 2026-01-01.

Conditions:
GRN-related frontotemporal lobar degeneration with Tdp43 inclusions (FTD2). Also called: DEMENTIA, HEREDITARY DYSPHASIC DISINHIBITION; FRONTOTEMPORAL LOBAR DEGENERATION WITH UBIQUITIN-POSITIVE INCLUSIONS; FTLD-TDP, GRN-RELATED; GRN Frontotemporal Dementia; FRONTOTEMPORAL DEMENTIA WITH TDP43 INCLUSIONS, GRN-RELATED. Identifiers: Orphanet 100070, Orphanet 282, MedGen C1843792, MONDO:0011842, OMIM 607485. Disease mechanism: loss of function.
Neuronal ceroid lipofuscinosis 11. Also called: GRN-Related Neuronal Ceroid-Lipofuscinosis. Identifiers: Orphanet 314629, Orphanet 79262, MedGen C3539123, MONDO:0013866, OMIM 614706.

Allele frequency attached by ClinVar (database versions not stated): gnomAD exomes 0.00003 and 0.00006; ExAC 0.00005; TOPMed 0.00007; gnomAD 0.00009; ESP Exome Variant Server 0.00015.
gnomAD v4.1: 54 of 1,612,776 alleles (0.0033%); highest among the groups gnomAD compares: Admixed American, 0.015%; no homozygotes.

Submissions (3):

CeGaT Center for Human Genetics Tuebingen
Classification: Likely benign. Last evaluated: 2026-01-01. Review status: criteria provided, single submitter. Criteria: CeGaT Center For Human Genetics Tuebingen Variant Classification Criteria Version 2. Collection method: clinical testing. Allele origin: germline. Affected: yes. Observed: 1 variant allele.
Comment: GRN: BP4, BP7

Labcorp Genetics (formerly Invitae), Labcorp
Classification: Likely benign for Neuronal ceroid lipofuscinosis 11; GRN-related frontotemporal lobar degeneration with Tdp43 inclusions. Last evaluated: 2025-11-08. Review status: criteria provided, single submitter. Criteria: Invitae Variant Classification Sherloc (09022015). Collection method: clinical testing. Allele origin: germline.

Breakthrough Genomics
Classification: Likely benign. Review status: criteria provided, single submitter. Criteria: ACMG Guidelines, 2015. Collection method: not provided. Allele origin: germline. Inheritance: Autosomal recessive inheritance. Affected: yes.

NM_002087.4(GRN):c.429C>T (p.Val143=)

Gene: GRN (granulin precursor; plus strand). Cytogenetic location: 17q21.31.
Variant type: single nucleotide variant.
Coding change: c.429C>T on transcript NM_002087.4 (MANE Select); coding-DNA position 429, C replaced by T.
Protein change: p.Val143=; no amino-acid change (valine 143 retained).
Molecular consequence: synonymous variant.
Genome position (GRCh38, 1-based): chr17:44,350,307, C>T. VCF-style: chr17-44350307-C-T. GRCh37 (hg19) VCF-style: chr17-42427675-C-T.
Identifiers: ClinVar variation 1615854 (VCV001615854.13), dbSNP rs369649646, ClinGen allele CA8601880.